The following is an entry in ClinVar:

NM_000395.3(CSF2RB):c.2428C>G (p.Pro810Ala)

Gene: CSF2RB (colony stimulating factor 2 receptor subunit beta; plus strand). Cytogenetic location: 22q12.3.
Variant type: single nucleotide variant.
Coding change: c.2428C>G on transcript NM_000395.3 (MANE Select); coding-DNA position 2428, C replaced by G.
Protein change: p.Pro810Ala; replaces proline 810 with alanine.
Molecular consequence: missense variant.
Genome position (GRCh38, 1-based): chr22:36,938,236, C>G. VCF-style: chr22-36938236-C-G. GRCh37 (hg19) VCF-style: chr22-37334278-C-G.
Other names: c.2446C>G, p.Pro816Ala (NM_001410827.1); short protein forms P816A, P810A.
Identifiers: ClinVar variation 2192375 (VCV002192375.4), dbSNP rs376355889, ClinGen allele CA10214119.
Genomic context (GRCh38, chr22:36,938,236, plus strand): 5'-AAAAGCCCTGTCCTGAACCCAGGGGAACGCCCGGCAGATGTGTCCCCAACATCCCCACAG[C>G]CCGAGGGCCTCCTTGTCCTGCAGCAAGTGGGCGACTATTGCTTCCTCCCCGGCCTGGGGC-3'
Protein context (NP_000386.1, residues 800-820): PADVSPTSPQ[Pro810Ala]EGLLVLQQVG

ClinVar aggregate classification (germline): Uncertain significance (1 of 4 stars; one submission).

Allele frequency attached by ClinVar (database versions not stated): ESP Exome Variant Server 0.00008.
gnomAD v4.1: 40 of 1,614,092 alleles (0.0025%); highest among the groups gnomAD compares: Non-Finnish European, 0.0033%; no homozygotes.

Submission:

Labcorp Genetics (formerly Invitae), Labcorp
Classification: Uncertain significance. Last evaluated: 2026-01-11. Review status: criteria provided, single submitter. Criteria: Invitae Variant Classification Sherloc (09022015). Collection method: clinical testing. Allele origin: germline.
Comment: This sequence change replaces proline, which is neutral and non-polar, with alanine, which is neutral and non-polar, at codon 810 of the CSF2RB protein (p.Pro810Ala). This variant is present in population databases (rs376355889, gnomAD 0.004%). This variant has not been reported in the literature in individuals affected with CSF2RB-related conditions. ClinVar contains an entry for this variant (Variation ID: 2192375). Invitae Evidence Modeling of protein sequence and biophysical properties (such as structural, functional, and spatial information, amino acid conservation, physicochemical variation, residue mobility, and thermodynamic stability) indicates that this missense variant is expected to disrupt CSF2RB protein function with a positive predictive value of 80%. In summary, the available evidence is currently insufficient to determine the role of this variant in disease. Therefore, it has been classified as a Variant of Uncertain Significance.